The following is an entry in ClinVar:

ClinVar aggregate classification (germline): Uncertain significance. Review status: criteria provided, multiple submitters, no conflicts (2 of 4 stars). 3 submissions from 3 submitters: Uncertain significance (3). Last evaluated 2026-08-05.

Conditions:
Inborn genetic diseases. Identifiers: MedGen C0950123, MeSH D030342.
Multiple gastrointestinal atresias. Also called: FAMILIAL INTESTINAL POLYATRESIA SYNDROME; Multiple intestinal atresia. Identifiers: Orphanet 2300, MedGen C0220744, MONDO:0009465.

Allele frequency attached by ClinVar (database versions not stated): gnomAD 0.00001 and 0.00004; gnomAD exomes 0.00001 and below 0.00001; TOPMed 0.00002; ExAC 0.00001.
gnomAD v4.1: 29 of 1,606,364 alleles (0.0018%); highest among the groups gnomAD compares: African/African-American, 0.02%; 1 homozygote.

Submissions (3):

Ambry Genetics
Classification: Uncertain significance for Inborn genetic diseases. Last evaluated: 2026-08-05. Review status: criteria provided, single submitter. Criteria: Ambry Variant Classification Scheme 2023. Collection method: clinical testing. Allele origin: germline.

Labcorp Genetics (formerly Invitae), Labcorp
Classification: Uncertain significance for Multiple gastrointestinal atresias. Last evaluated: 2021-08-27. Review status: criteria provided, single submitter. Criteria: Invitae Variant Classification Sherloc (09022015). Collection method: clinical testing. Allele origin: germline.
Comment: This sequence change replaces glutamine with arginine at codon 526 of the TTC7A protein (p.Gln526Arg). The glutamine residue is weakly conserved and there is a small physicochemical difference between glutamine and arginine. This variant is present in population databases (rs113327144, ExAC 0.01%). This variant has not been reported in the literature in individuals affected with TTC7A-related conditions. Algorithms developed to predict the effect of missense changes on protein structure and function (SIFT, PolyPhen-2, Align-GVGD) all suggest that this variant is likely to be tolerated. In summary, the available evidence is currently insufficient to determine the role of this variant in disease. Therefore, it has been classified as a Variant of Uncertain Significance.

Blueprint Genetics
Classification: Uncertain significance. Last evaluated: 2020-10-15. Review status: criteria provided, single submitter. Criteria: ACMG Guidelines, 2015. Collection method: clinical testing. Allele origin: germline.

NM_020458.4(TTC7A):c.1577A>G (p.Gln526Arg)

Gene: TTC7A (tetratricopeptide repeat domain 7A; plus strand). Cytogenetic location: 2p21.
Variant type: single nucleotide variant.
Coding change: c.1577A>G on transcript NM_020458.4 (MANE Select); coding-DNA position 1577, A replaced by G.
Protein change: p.Gln526Arg; replaces glutamine 526 with arginine.
Molecular consequence: missense variant.
Genome position (GRCh38, 1-based): chr2:47,024,295, A>G. VCF-style: chr2-47024295-A-G. GRCh37 (hg19) VCF-style: chr2-47251434-A-G.
Other names: c.1577A>G, p.Gln526Arg (NM_001288951.2); c.1475A>G, p.Gln492Arg (NM_001288953.2); c.515A>G, p.Gln172Arg (NM_001288955.2); c.1577A>G (NM_020458.2); short protein forms Q172R, Q526R, Q492R.
Identifiers: ClinVar variation 936653 (VCV000936653.9), dbSNP rs113327144, ClinGen allele CA1647755.